The following is an entry in ClinVar:

ClinVar aggregate classification (germline): Uncertain significance (1 of 4 stars; one submission).

Conditions:
ASIC5-related disorder. Also called: ASIC5-related condition.

gnomAD v4.1: 27 of 1,613,192 alleles (0.0017%); highest among the groups gnomAD compares: African/African-American, 0.004%; no homozygotes.

Submission:

PreventionGenetics, part of Exact Sciences
Classification: Uncertain significance for ASIC5-related condition. Last evaluated: 2026-02-24. Review status: criteria provided, single submitter. Criteria: ACMG Guidelines, 2015. Collection method: clinical testing. Allele origin: germline.
Comment: The ASIC5 c.898C>T variant is predicted to result in the amino acid substitution p.Pro300Ser. To our knowledge, this variant has not been reported in the literature. This variant is reported in 0.0054% of alleles in individuals of European (Non-Finnish) descent in gnomAD. At this time, the clinical significance of this variant is uncertain due to the absence of conclusive functional and genetic evidence.

NM_017419.3(ASIC5):c.898C>T (p.Pro300Ser)

Gene: ASIC5 (acid sensing ion channel subunit family member 5; minus strand). Cytogenetic location: 4q32.1.
Variant type: single nucleotide variant.
Coding change: c.898C>T on transcript NM_017419.3 (MANE Select); coding-DNA position 898, C replaced by T.
Protein change: p.Pro300Ser; replaces proline 300 with serine.
Molecular consequence: missense variant.
Genome position (GRCh38, 1-based): chr4:155,842,318, G>A on the plus strand (C>T on the coding strand, the complement: ASIC5 is on the minus strand). VCF-style: chr4-155842318-G-A. GRCh37 (hg19) VCF-style: chr4-156763470-G-A.
Other names: short protein forms P300S.
Identifiers: ClinVar variation 4979175 (VCV004979175.1).